The following is an entry in ClinVar:

NM_002340.6(LSS):c.789C>G (p.Leu263=)

Gene: LSS (lanosterol synthase; minus strand). Cytogenetic location: 21q22.3.
Variant type: single nucleotide variant.
Coding change: c.789C>G on transcript NM_002340.6 (MANE Select); coding-DNA position 789, C replaced by G.
Protein change: p.Leu263=; no amino-acid change (leucine 263 retained).
Molecular consequence: synonymous variant.
Genome position (GRCh38, 1-based): chr21:46,215,788, G>C on the plus strand (C>G on the coding strand, the complement: LSS is on the minus strand). VCF-style: chr21-46215788-G-C. GRCh37 (hg19) VCF-style: chr21-47635702-G-C.
Other names: c.789C>G, p.Leu263= (NM_001001438.3); c.756C>G, p.Leu252= (NM_001145436.2); c.549C>G, p.Leu183= (NM_001145437.2).
Identifiers: ClinVar variation 3067293 (VCV003067293.21), dbSNP rs556858478, ClinGen allele CA10075318.
Genomic context (GRCh38, chr21:46,215,788, plus strand): 5'-GTCGGGGGCCACGTTGTTCCTCTGCGCCAGCCAGTCAATGCTGGCGAAGTCCTCCACATA[G>C]AGCTCCTGGTGGGGGCAGTGTCTGAGCCTTGGGGCCTGGGAGCACCTGGTAGGCCTGGCT-3'
Protein context (NP_002331.3, residues 253-273): DPLVQSLRQE[Leu263=]YVEDFASIDW

ClinVar aggregate classification (germline): Benign (1 of 4 stars; one submission).

Allele frequency attached by ClinVar (database versions not stated): TOPMed 0.00005; gnomAD 0.00043; ExAC 0.00186; 1000 Genomes Project 30x 0.00328; 1000 Genomes Project 0.00339.
gnomAD v4.1: 1,159 of 1,608,222 alleles (0.072%); highest among the groups gnomAD compares: South Asian, 1.2%; 15 homozygotes.

Submission:

CeGaT Center for Human Genetics Tuebingen
Classification: Benign. Last evaluated: 2026-07-01. Review status: criteria provided, single submitter. Criteria: CeGaT Center For Human Genetics Tuebingen Variant Classification Criteria Version 2. Collection method: clinical testing. Allele origin: germline. Affected: yes. Observed: 2 variant alleles.
Comment: LSS: BP4, BP7, BS1, BS2